The following is an entry in ClinVar:

ClinVar aggregate classification (germline): Uncertain significance (1 of 4 stars; one submission).

Conditions:
Aicardi-Goutieres syndrome 7 (AGS7). Identifiers: Orphanet 51, MedGen C3888244, MONDO:0014367, OMIM 615846.
Singleton-Merten syndrome 1 (SGMRT1). Also called: Widened medullary cavities of bone, aortic calcification, abnormal dentition, and muscular weakness; Syndrome of widened medullary cavities of the metacarpals and phalanges, aortic calcification and abnormal dentition. Identifiers: Orphanet 85191, MedGen C4225427, MONDO:0024535, OMIM 182250.

Submission:

Labcorp Genetics (formerly Invitae), Labcorp
Classification: Uncertain significance for Aicardi-Goutieres syndrome 7; Singleton-Merten syndrome 1. Last evaluated: 2025-06-19. Review status: criteria provided, single submitter. Criteria: Invitae Variant Classification Sherloc (09022015). Collection method: clinical testing. Allele origin: germline.
Comment: This sequence change creates a premature translational stop signal (p.Tyr564Leufs*15) in the IFIH1 gene. It is expected to result in an absent or disrupted protein product. However, the current clinical and genetic evidence is not sufficient to establish whether loss-of-function variants in IFIH1 cause disease. This variant is not present in population databases (gnomAD no frequency). This variant has not been reported in the literature in individuals affected with IFIH1-related conditions. This premature translational stop signal has been observed in at least one individual who was not affected with IFIH1-related conditions (internal data). ClinVar contains an entry for this variant (Variation ID: 1382767). In summary, the available evidence is currently insufficient to determine the role of this variant in disease. Therefore, it has been classified as a Variant of Uncertain Significance.

NM_022168.4(IFIH1):c.1689_1690del (p.Tyr564fs)

Gene: IFIH1 (interferon induced with helicase C domain 1; minus strand). Cytogenetic location: 2q24.2.
Variant type: Deletion.
Coding change: c.1689_1690del on transcript NM_022168.4 (MANE Select); coding-DNA positions 1689 to 1690, 2 bases deleted (TT; older notation c.1689_1690delTT).
Protein change: p.Tyr564fs; shifts the reading frame from tyrosine 564.
Molecular consequence: frameshift variant.
Genome position (GRCh38, 1-based): chr2:162,278,280-162,278,281, AA deleted on the plus strand (TT on the coding strand, the reverse complement: IFIH1 is on the minus strand). VCF-style (leftmost placement, unchanged base first): chr2-162278279-TAA-T. GRCh37 (hg19) VCF-style: chr2-163134789-TAA-T.
Other names: short protein forms Y564fs.
Identifiers: ClinVar variation 1382767 (VCV001382767.6), dbSNP rs1464362256, ClinGen allele CA759854639.